The following is an entry in ClinVar:

NM_000334.4(SCN4A):c.1100+3G>A

Gene: SCN4A (sodium voltage-gated channel alpha subunit 4; minus strand). Cytogenetic location: 17q23.3.
Variant type: single nucleotide variant.
Coding change: c.1100+3G>A on transcript NM_000334.4 (MANE Select); 3 bases into the intron after coding-DNA position 1100, G replaced by A.
Molecular consequence: intron variant.
Genome position (GRCh38, 1-based): chr17:63,966,478, C>T on the plus strand (G>A on the coding strand, the complement: SCN4A is on the minus strand). VCF-style: chr17-63966478-C-T. GRCh37 (hg19) VCF-style: chr17-62043838-C-T.
Identifiers: ClinVar variation 575606 (VCV000575606.11), dbSNP rs1288881000, ClinGen allele CA627150622.

ClinVar aggregate classification (germline): Uncertain significance (1 of 4 stars; one submission).

Conditions:
Hyperkalemic periodic paralysis. Also called: Familial hyperkalemic periodic paralysis; Gamstorp disease. Identifiers: Orphanet 682, MedGen C0238357, MONDO:0008224, OMIM 170500, HP:0007215.

Allele frequency attached by ClinVar (database versions not stated): gnomAD exomes below 0.00001.
gnomAD v4.1: 2 of 1,613,568 alleles (0.00012%); highest among the groups gnomAD compares: Admixed American, 0.0017%; no homozygotes.

Submission:

Labcorp Genetics (formerly Invitae), Labcorp
Classification: Uncertain significance for Hyperkalemic periodic paralysis. Last evaluated: 2022-02-08. Review status: criteria provided, single submitter. Criteria: Invitae Variant Classification Sherloc (09022015). Collection method: clinical testing. Allele origin: germline.
Comment: In summary, the available evidence is currently insufficient to determine the role of this variant in disease. Therefore, it has been classified as a Variant of Uncertain Significance. Variants that disrupt the consensus splice site are a relatively common cause of aberrant splicing (PMID: 17576681, 9536098). Algorithms developed to predict the effect of sequence changes on RNA splicing suggest that this variant is not likely to affect RNA splicing. ClinVar contains an entry for this variant (Variation ID: 575606). This variant has not been reported in the literature in individuals affected with SCN4A-related conditions. This variant is present in population databases (no rsID available, gnomAD 0.003%). This sequence change falls in intron 7 of the SCN4A gene. It does not directly change the encoded amino acid sequence of the SCN4A protein. It affects a nucleotide within the consensus splice site.

Literature cited by the submitters: PubMed 17576681; PubMed 9536098.